The following is an entry in ClinVar:

ClinVar aggregate classification (germline): Uncertain significance (1 of 4 stars; one submission).

Allele frequency attached by ClinVar (database versions not stated): gnomAD 0.00001; TOPMed 0.00001; gnomAD exomes 0.00003; ExAC 0.00006.
gnomAD v4.1: 36 of 1,585,500 alleles (0.0023%); highest among the groups gnomAD compares: South Asian, 0.039%; no homozygotes.

Submission:

Ambry Genetics
Classification: Uncertain significance. Last evaluated: 2023-11-29. Review status: criteria provided, single submitter. Criteria: Ambry Variant Classification Scheme 2023. Collection method: clinical testing. Allele origin: germline.
Comment: The p.C1978F variant (also known as c.5933G>T), located in coding exon 18 of the POLQ gene, results from a G to T substitution at nucleotide position 5933. The cysteine at codon 1978 is replaced by phenylalanine, an amino acid with highly dissimilar properties. This amino acid position is conserved. In addition, the in silico prediction for this alteration is inconclusive. Since supporting evidence is limited at this time, the clinical significance of this alteration remains unclear.

NM_199420.4(POLQ):c.5933G>T (p.Cys1978Phe)

Gene: POLQ (DNA polymerase theta; minus strand). Cytogenetic location: 3q13.33.
Variant type: single nucleotide variant.
Coding change: c.5933G>T on transcript NM_199420.4 (MANE Select); coding-DNA position 5933, G replaced by T.
Protein change: p.Cys1978Phe; replaces cysteine 1978 with phenylalanine.
Molecular consequence: missense variant.
Genome position (GRCh38, 1-based): chr3:121,483,423, C>A on the plus strand (G>T on the coding strand, the complement: POLQ is on the minus strand). VCF-style: chr3-121483423-C-A. GRCh37 (hg19) VCF-style: chr3-121202270-C-A.
Other names: short protein forms C1978F.
Identifiers: ClinVar variation 1750586 (VCV001750586.2), dbSNP rs771234247, ClinGen allele CA2562607.